The following is an entry in ClinVar:

NM_020163.3(SEMA3G):c.1477C>A (p.Pro493Thr)

Gene: SEMA3G (semaphorin 3G; minus strand). Cytogenetic location: 3p21.1.
Variant type: single nucleotide variant.
Coding change: c.1477C>A on transcript NM_020163.3 (MANE Select); coding-DNA position 1477, C replaced by A.
Protein change: p.Pro493Thr; replaces proline 493 with threonine.
Molecular consequence: missense variant.
Genome position (GRCh38, 1-based): chr3:52,438,952, G>T on the plus strand (C>A on the coding strand, the complement: SEMA3G is on the minus strand). VCF-style: chr3-52438952-G-T. GRCh37 (hg19) VCF-style: chr3-52472968-G-T.
Other names: short protein forms P493T.
Identifiers: ClinVar variation 4990165 (VCV004990165.1).

ClinVar aggregate classification (germline): Uncertain significance (1 of 4 stars; one submission).

Conditions:
SEMA3G-related disorder. Also called: SEMA3G-related condition.

gnomAD v4.1: 8 of 1,613,434 alleles (0.0005%); highest among the groups gnomAD compares: Non-Finnish European, 0.00068%; no homozygotes.

Submission:

PreventionGenetics, part of Exact Sciences
Classification: Uncertain significance for SEMA3G-related condition. Last evaluated: 2026-02-17. Review status: criteria provided, single submitter. Criteria: ACMG Guidelines, 2015. Collection method: clinical testing. Allele origin: germline.
Comment: The SEMA3G c.1477C>A variant is predicted to result in the amino acid substitution p.Pro493Thr. To our knowledge, this variant has not been reported in the literature. This variant is reported in 0.0023% of alleles in individuals of European (Non-Finnish) descent in gnomAD. At this time, the clinical significance of this variant is uncertain due to the absence of conclusive functional and genetic evidence.